The following is an entry in ClinVar:

NM_032608.7(MYO18B):c.3910C>G (p.Leu1304Val)

Gene: MYO18B (myosin XVIIIB; plus strand). Cytogenetic location: 22q12.1.
Variant type: single nucleotide variant.
Coding change: c.3910C>G on transcript NM_032608.7 (MANE Select); coding-DNA position 3910, C replaced by G.
Protein change: p.Leu1304Val; replaces leucine 1304 with valine.
Molecular consequence: missense variant.
Genome position (GRCh38, 1-based): chr22:25,868,344, C>G. VCF-style: chr22-25868344-C-G. GRCh37 (hg19) VCF-style: chr22-26264311-C-G.
Other names: c.3913C>G, p.Leu1305Val (NM_001318245.2); short protein forms L1304V, L1305V.
Identifiers: ClinVar variation 1930054 (VCV001930054.5), dbSNP rs191509221, ClinGen allele CA10160689.

ClinVar aggregate classification (germline): Uncertain significance (1 of 4 stars; one submission).

Allele frequency attached by ClinVar (database versions not stated): gnomAD 0.00001; TOPMed 0.00001; ExAC 0.00002; 1000 Genomes Project 30x 0.00016; 1000 Genomes Project 0.00020.
gnomAD v4.1: 6 of 1,604,416 alleles (0.00037%); highest among the groups gnomAD compares: Admixed American, 0.0034%; no homozygotes.

Submission:

Labcorp Genetics (formerly Invitae), Labcorp
Classification: Uncertain significance. Last evaluated: 2025-02-03. Review status: criteria provided, single submitter. Criteria: Invitae Variant Classification Sherloc (09022015). Collection method: clinical testing. Allele origin: germline.
Comment: This sequence change replaces leucine, which is neutral and non-polar, with valine, which is neutral and non-polar, at codon 1304 of the MYO18B protein (p.Leu1304Val). This variant is not present in population databases (gnomAD no frequency). This variant has not been reported in the literature in individuals affected with MYO18B-related conditions. ClinVar contains an entry for this variant (Variation ID: 1930054). An algorithm developed to predict the effect of missense changes on protein structure and function (PolyPhen-2) suggests that this variant is likely to be disruptive. In summary, the available evidence is currently insufficient to determine the role of this variant in disease. Therefore, it has been classified as a Variant of Uncertain Significance.